The following is an entry in ClinVar:

NM_001081.4(CUBN):c.8161G>T (p.Ala2721Ser)

Gene: CUBN (cubilin; minus strand). Cytogenetic location: 10p13.
Variant type: single nucleotide variant.
Coding change: c.8161G>T on transcript NM_001081.4 (MANE Select); coding-DNA position 8161, G replaced by T.
Protein change: p.Ala2721Ser; replaces alanine 2721 with serine.
Molecular consequence: missense variant.
Genome position (GRCh38, 1-based): chr10:16,901,361, C>A on the plus strand (G>T on the coding strand, the complement: CUBN is on the minus strand). VCF-style: chr10-16901361-C-A. GRCh37 (hg19) VCF-style: chr10-16943360-C-A.
Other names: short protein forms A2721S.
Identifiers: ClinVar variation 3592247 (VCV003592247.3).
Genomic context (GRCh38, chr10:16,901,361, plus strand): 5'-TGTCTCAGAAGCATTTCACCCAGTCATTAGCACTCACAGTGATGGTGTGCCCTTGTGGGG[C>A]CTCCAACAGCGAAGAGCAGTGGGTCAGGCTGTCATAAGCATTTGGATAGTTGGGGCTTGT-3'
Protein context (NP_001072.2, residues 2711-2731): SLTHCSSLLE[Ala2721Ser]PQGHTITLTF

ClinVar aggregate classification (germline): Uncertain significance. Review status: criteria provided, multiple submitters, no conflicts (2 of 4 stars). 2 submissions from 2 submitters: Uncertain significance (2). Last evaluated 2024-06-30.

Conditions:
Imerslund-Grasbeck syndrome. Also called: ENTEROCYTE COBALAMIN MALABSORPTION; ENTEROCYTE INTRINSIC FACTOR RECEPTOR, DEFECT OF; PERNICIOUS ANEMIA, JUVENILE, DUE TO SELECTIVE INTESTINAL MALABSORPTION OF VITAMIN B12, WITH PROTEINURIA; Megaloblastic anemia due to inborn errors of metabolism; Imerslund-Gräsbeck syndrome. Identifiers: Orphanet 35858, MedGen C4551825, MONDO:0009853.
Imerslund-Grasbeck syndrome type 1 (IGS1). Also called: MEGALOBLASTIC ANEMIA, 1; Megaloblastic anemia 1, Finnish type; Imerslund-Gräsbeck syndrome 1. Identifiers: MedGen C4016819, MONDO:0100156, OMIM 261100.
Proteinuria, chronic benign. Identifiers: MedGen C5394384, MONDO:0030042, OMIM 618884.

gnomAD v4.1: 326 of 1,614,016 alleles (0.02%); highest among the groups gnomAD compares: Non-Finnish European, 0.027%; 1 homozygote.

Submissions (2):

Labcorp Genetics (formerly Invitae), Labcorp
Classification: Uncertain significance for Imerslund-Grasbeck syndrome. Last evaluated: 2024-06-30. Review status: criteria provided, single submitter. Criteria: Invitae Variant Classification Sherloc (09022015). Collection method: clinical testing. Allele origin: germline.
Comment: This sequence change replaces alanine, which is neutral and non-polar, with serine, which is neutral and polar, at codon 2721 of the CUBN protein (p.Ala2721Ser). This variant is present in population databases (rs200221369, gnomAD 0.02%). This variant has not been reported in the literature in individuals affected with CUBN-related conditions. Advanced modeling of protein sequence and biophysical properties (such as structural, functional, and spatial information, amino acid conservation, physicochemical variation, residue mobility, and thermodynamic stability) has been performed at Invitae for this missense variant, however the output from this modeling did not meet the statistical confidence thresholds required to predict the impact of this variant on CUBN protein function. In summary, the available evidence is currently insufficient to determine the role of this variant in disease. Therefore, it has been classified as a Variant of Uncertain Significance.

Fulgent Genetics
Classification: Uncertain significance for Imerslund-Grasbeck syndrome type 1; Proteinuria, chronic benign. Last evaluated: 2024-04-23. Review status: criteria provided, single submitter. Criteria: ACMG Guidelines, 2015. Collection method: clinical testing. Allele origin: germline.